The following is an entry in ClinVar:

NM_000038.6(APC):c.3989C>G (p.Pro1330Arg)

Gene: APC (APC regulator of Wnt signaling pathway; plus strand). Cytogenetic location: 5q22.2.
Variant type: single nucleotide variant.
Coding change: c.3989C>G on transcript NM_000038.6 (MANE Select); coding-DNA position 3989, C replaced by G.
Protein change: p.Pro1330Arg; replaces proline 1330 with arginine.
Molecular consequence: missense variant. On other transcripts: non-coding transcript variant (2).
Genome position (GRCh38, 1-based): chr5:112,839,583, C>G. VCF-style: chr5-112839583-C-G. GRCh37 (hg19) VCF-style: chr5-112175280-C-G.
Other names: c.3989C>G, p.Pro1330Arg (NM_001127510.3, NM_001354895.2, NM_001407450.1); c.3935C>G, p.Pro1312Arg (NM_001127511.3); c.4043C>G, p.Pro1348Arg (NM_001354896.2, NM_001407447.1, NM_001407448.1 and 1 more transcripts); c.4019C>G, p.Pro1340Arg (NM_001354897.2); c.3914C>G, p.Pro1305Arg (NM_001354898.2); c.3905C>G, p.Pro1302Arg (NM_001354899.2); c.3866C>G, p.Pro1289Arg (NM_001354900.2); c.3812C>G, p.Pro1271Arg (NM_001354901.2, NM_001407453.1); and 11 more; short protein forms P1204R, P1229R, P1289R, P1320R, P1340R, P1239R, P1312R, P1201R.
Identifiers: ClinVar variation 2727084 (VCV002727084.3), dbSNP rs2149903580, ClinGen allele CA16030080.

ClinVar aggregate classification (germline): Uncertain significance (1 of 4 stars; one submission).

Conditions:
Familial adenomatous polyposis 1 (FAP1). Also called: FAMILIAL ADENOMATOUS POLYPOSIS 1, ATTENUATED; POLYPOSIS, ADENOMATOUS INTESTINAL. Identifiers: MedGen C2713442, MONDO:0021056, OMIM 175100. Disease mechanism: loss of function.

Submission:

Labcorp Genetics (formerly Invitae), Labcorp
Classification: Uncertain significance for Familial adenomatous polyposis 1. Last evaluated: 2023-10-24. Review status: criteria provided, single submitter. Criteria: Invitae Variant Classification Sherloc (09022015). Collection method: clinical testing. Allele origin: germline.
Comment: This sequence change replaces proline, which is neutral and non-polar, with arginine, which is basic and polar, at codon 1330 of the APC protein (p.Pro1330Arg). This variant is not present in population databases (gnomAD no frequency). This variant has not been reported in the literature in individuals affected with APC-related conditions. Advanced modeling of protein sequence and biophysical properties (such as structural, functional, and spatial information, amino acid conservation, physicochemical variation, residue mobility, and thermodynamic stability) performed at Invitae indicates that this missense variant is not expected to disrupt APC protein function with a negative predictive value of 95%. In summary, the available evidence is currently insufficient to determine the role of this variant in disease. Therefore, it has been classified as a Variant of Uncertain Significance.